The following is an entry in ClinVar:

ClinVar aggregate classification (germline): Pathogenic/Likely pathogenic. Review status: criteria provided, multiple submitters, no conflicts (2 of 4 stars). 6 submissions from 6 submitters: Pathogenic (4); Likely pathogenic (1). 1 of the submissions does not count toward it. Last evaluated 2025-12-21.

Conditions:
COL3A1-related disorder. Also called: COL3A1-related condition.
Ehlers-Danlos syndrome, type 4 (EDSVASC). Also called: Ehlers-Danlos syndrome vascular type; Ehlers Danlos syndrome, ecchymotic type; Ehlers Danlos syndrome, arterial type; Ehlers Danlos syndrome, Sack-Barabas type; Ehlers-Danlos Syndrome Type IV. Identifiers: Orphanet 286, MedGen C0268338, MONDO:0017314, OMIM 130050.

Submissions (6):

Labcorp Genetics (formerly Invitae), Labcorp
Classification: Pathogenic for Ehlers-Danlos syndrome, type 4. Last evaluated: 2025-12-21. Review status: criteria provided, single submitter. Criteria: Invitae Variant Classification Sherloc (09022015). Collection method: clinical testing. Allele origin: germline.
Comment: This sequence change affects a donor splice site in intron 39 of the COL3A1 gene. It is expected to disrupt RNA splicing. Variants that disrupt the donor or acceptor splice site typically lead to a loss of protein function (PMID: 16199547), and loss-of-function variants in COL3A1 are known to be pathogenic (PMID: 24922459). This variant is not present in population databases (gnomAD no frequency). Disruption of this splice site has been observed in individual(s) with clinical features of Ehlers-Danlos syndrome (PMID: 21637106; internal data). It has also been observed to segregate with disease in related individuals. ClinVar contains an entry for this variant (Variation ID: 101110). Algorithms developed to predict the effect of sequence changes on RNA splicing suggest that this variant may disrupt the consensus splice site. For these reasons, this variant has been classified as Pathogenic.

Variantyx, Inc.
Classification: Pathogenic for Ehlers-Danlos syndrome, type 4. Last evaluated: 2025-09-17. Review status: criteria provided, single submitter. Criteria: Variantyx Assertion Criteria 2022. Collection method: clinical testing. Allele origin: germline. Inheritance: Autosomal dominant inheritance. Affected: yes.
Comment: This is a canonical splicing variant in the COL3A1 gene (OMIM: 120180). Pathogenic variants in this gene have been associated with autosomal dominant vascular-type Ehlers-Danlos syndrome. This splicing variant is expected to result in loss of function, which is a known disease mechanism for COL3A1 in this disorder (PMID: 24922459, 21637106) (PVS1). It has been reported in at least one affected individual (PMID: 21637106) (PS4_Moderate), while it is absent from control populations (PM2). Heterozygous null variants in this gene may have reduced penetrance compared with missense and splicing variants (PMID: 21637106). Based on the current evidence, this variant is classified as pathogenic for autosomal dominant vascular-type Ehlers-Danlos syndrome.

3billion
Classification: Pathogenic for Ehlers-Danlos syndrome, type 4. Last evaluated: 2023-11-14. Review status: criteria provided, single submitter. Criteria: ACMG Guidelines, 2015. Collection method: clinical testing. Allele origin: germline. Affected: yes.
Comment: The variant is not observed in the gnomAD v2.1.1 dataset. Predicted Consequence/Location: Canonical splice site: predicted to alter splicing and result in a loss or disruption of normal protein function. Multiple pathogenic loss-of-function variants are reported downstream of the variant. The variant has been reported to be associated with COL3A1-related disorder (ClinVar ID: VCV000101110 /PMID: 21637106). However, the evidence of pathogenicity is insufficient at this time. Therefore, this variant is classified as Pathogenic according to the recommendation of ACMG/AMP guideline.

Blueprint Genetics
Classification: Pathogenic for COL3A1-related disorders. Last evaluated: 2023-09-15. Review status: criteria provided, single submitter. Criteria: ACMG Guidelines, 2015. Collection method: clinical testing. Allele origin: germline. Affected: yes. Observed: 2 variant alleles.

GeneDx
Classification: Likely pathogenic. Last evaluated: 2022-02-23. Review status: criteria provided, single submitter. Criteria: GeneDx Variant Classification Process June 2021. Collection method: clinical testing. Allele origin: germline. Affected: yes.
Comment: This variant is demonstrated to affect the canonical splice donor site and result in a null allele in a gene for which loss-of-function is a known mechanism of disease (Leistritz et al., 2011); Identified in an individual with either a personal or family history of a major arterial event, but specific clinical information was not provided (Leistritz et al., 2011); Not observed at significant frequency in large population cohorts (gnomAD); This variant is associated with the following publications: (PMID: 25525159, 24922459, 21637106)

Collagen Diagnostic Laboratory, University of Washington
Classification: Pathogenic for Ehlers-Danlos syndrome, type 4. Review status: no assertion criteria provided. Collection method: clinical testing. Allele origin: germline. Affected: yes. Not counted in ClinVar's aggregate classification.

Literature cited by the submitters: PubMed 16199547 (cited by Labcorp Genetics (formerly Invitae), Labcorp); PubMed 24922459 (cited by Labcorp Genetics (formerly Invitae), Labcorp and Variantyx, Inc.); PubMed 21637106 (cited by 4 submitters).

NM_000090.4(COL3A1):c.2823+1G>A

Gene: COL3A1 (collagen type III alpha 1 chain; plus strand). Cytogenetic location: 2q32.2.
Variant type: single nucleotide variant.
Coding change: c.2823+1G>A on transcript NM_000090.4 (MANE Select); the canonical splice donor site of the intron after coding-DNA position 2823, G replaced by A.
Molecular consequence: splice donor variant.
Genome position (GRCh38, 1-based): chr2:189,004,144, G>A. VCF-style: chr2-189004144-G-A. GRCh37 (hg19) VCF-style: chr2-189868870-G-A.
Identifiers: ClinVar variation 101110 (VCV000101110.8), dbSNP rs587779424, ClinGen allele CA005713.